The following is an entry in ClinVar:

NM_000277.3(PAH):c.1175T>C (p.Phe392Ser)

Gene: PAH (phenylalanine hydroxylase; minus strand). Cytogenetic location: 12q23.2.
Variant type: single nucleotide variant.
Coding change: c.1175T>C on transcript NM_000277.3 (MANE Select); coding-DNA position 1175, T replaced by C.
Protein change: p.Phe392Ser; replaces phenylalanine 392 with serine.
Molecular consequence: missense variant.
Genome position (GRCh38, 1-based): chr12:102,843,670, A>G on the plus strand (T>C on the coding strand, the complement: PAH is on the minus strand). VCF-style: chr12-102843670-A-G. GRCh37 (hg19) VCF-style: chr12-103237448-A-G.
Other names: NM_000277.3(PAH):c.1175T>C; p.Phe392Ser; c.1175T>C, p.Phe392Ser (NM_001354304.2); short protein forms F392S.
Identifiers: ClinVar variation 102544 (VCV000102544.3), dbSNP rs199475695, ClinGen allele CA229369.
Genomic context (GRCh38, chr12:102,843,670, plus strand): 5'-CCCAGAGCTAGTGGCTCACCTTTGTCACCACCTCACCTTACTTTCTCCTTGGCATCATTA[A>G]AACTCTCTGCCACGTAATAGAGGGGCTGGAACTCCGTGACAGTGTAATTTTGGATGGCTG-3'
Protein context (NP_000268.1, residues 382-402): FQPLYYVAES[Phe392Ser]NDAKEKVRNF

ClinVar aggregate classification (germline): Likely pathogenic. Review status: reviewed by expert panel (3 of 4 stars). 2 submissions from 2 submitters: Likely pathogenic (1). 1 of the submissions does not count toward it. Last evaluated 2024-11-17.

Conditions:
Phenylketonuria (PKU). Also called: Phenylketonuria (PKU); FOLLING DISEASE; OLIGOPHRENIA PHENYLPYRUVICA; Phenylketonurias. Identifiers: Orphanet 716, MedGen C0031485, MONDO:0009861, OMIM 261600. Disease mechanism: loss of function.

Submissions (2):

ClinGen PAH Variant Curation Expert Panel
Classification: Likely pathogenic for Phenylketonuria. Last evaluated: 2024-11-17. Review status: reviewed by expert panel. Criteria: ClinGen PAH ACMG Specifications v1. Collection method: curation. Allele origin: germline. Inheritance: Autosomal recessive inheritance.
Comment: The c.1175T>C (p.Phe392Ser) variant in PAH was reported in one individual with PAH deficiency; however, this report was non-English article that is not accessible and thus cannot be used as case-level evidence at this time (PMID: 22333022). This variant is absent from gnomAD v2.1.1 (PM2_Supporting), and is predicted damaging by REVEL = 0.98 (PP3_Strong). A different missense variant at the same position, p.F392I, is reported as pathogenic in ClinVar (VarID: 853581) (PM5). In summary, this variant meets criteria to be classified as likely pathogenic for phenylketonuria in an autosomal recessive manner based on the ACMG/AMP criteria applied as specified by the PAH Expert Panel: PM2_Supporting, PM5, PP3_Strong.

DeBelle Laboratory for Biochemical Genetics, MUHC/MCH RESEARCH INSTITUTE
No classification provided. Review status: no classification provided. Collection method: not provided. Allele origin: not provided. Not counted in ClinVar's aggregate classification.